The following is an entry in ClinVar:

NM_001164811.2(PET117):c.63C>T (p.Ala21=)

Genes: KAT14 (lysine acetyltransferase 14; plus strand), PET117 (PET117 cytochrome c oxidase chaperone; plus strand). Cytogenetic location: 20p11.23.
Variant type: single nucleotide variant.
Coding change: c.63C>T on transcript NM_001164811.2 (MANE Select); coding-DNA position 63, C replaced by T.
Protein change: p.Ala21=; no amino-acid change (alanine 21 retained).
Molecular consequence: synonymous variant. On other transcripts: 5 prime UTR variant (5), intron variant (5).
Genome position (GRCh38, 1-based): chr20:18,138,018, C>T. VCF-style: chr20-18138018-C-T. GRCh37 (hg19) VCF-style: chr20-18118662-C-T.
Other names: c.-487C>T (NM_001384192.3, NM_001392073.1, NM_001392079.1 and 2 more transcripts); c.-454+799C>T (NM_001392075.1); c.-454+365C>T (NM_001392072.1, NM_001392078.1); c.-454+414C>T (NM_001392071.1, NM_001392077.1).
Identifiers: ClinVar variation 2652219 (VCV002652219.22), dbSNP rs184370918, ClinGen allele CA9775333.

ClinVar aggregate classification (germline): Likely benign (1 of 4 stars; one submission).

Allele frequency attached by ClinVar (database versions not stated): 1000 Genomes Project 30x 0.00234; 1000 Genomes Project 0.00260; ExAC 0.00316; gnomAD 0.00390.
gnomAD v4.1: 6,996 of 1,498,000 alleles (0.47%); highest among the groups gnomAD compares: Non-Finnish European, 0.53%; 24 homozygotes.

Submission:

CeGaT Center for Human Genetics Tuebingen
Classification: Likely benign. Last evaluated: 2026-08-01. Review status: criteria provided, single submitter. Criteria: CeGaT Center For Human Genetics Tuebingen Variant Classification Criteria Version 2. Collection method: clinical testing. Allele origin: germline. Affected: yes. Observed: 9 variant alleles.
Comment: PET117: BP4, BP7, BS2